The following is an entry in ClinVar:

ClinVar aggregate classification (germline): Likely benign. Review status: criteria provided, multiple submitters, no conflicts (2 of 4 stars). 2 submissions from 2 submitters: Likely benign (2). Last evaluated 2026-05-12.

Conditions:
DLL3-related disorder. Also called: DLL3-related condition.

gnomAD v4.1: 9 of 1,421,336 alleles (0.00063%); highest among the groups gnomAD compares: East Asian, 0.003%; no homozygotes.

Submissions (2):

PreventionGenetics, part of Exact Sciences
Classification: Likely benign for DLL3-related condition. Last evaluated: 2026-05-12. Review status: criteria provided, single submitter. Criteria: ACMG Guidelines, 2015. Collection method: clinical testing. Allele origin: germline.
Comment: This variant is classified as likely benign based on ACMG/AMP sequence variant interpretation guidelines (Richards et al. 2015 PMID: 25741868, with internal and published modifications).

Labcorp Genetics (formerly Invitae), Labcorp
Classification: Likely benign. Last evaluated: 2020-01-11. Review status: criteria provided, single submitter. Criteria: Invitae Variant Classification Sherloc (09022015). Collection method: clinical testing. Allele origin: germline.

NM_203486.3(DLL3):c.471G>A (p.Pro157=)

Genes: DLL3 (delta like canonical Notch ligand 3; plus strand), LOC130064417 (ATAC-STARR-seq lymphoblastoid silent region 10608; plus strand). Cytogenetic location: 19q13.2.
Variant type: single nucleotide variant.
Coding change: c.471G>A on transcript NM_203486.3 (MANE Select); coding-DNA position 471, G replaced by A.
Protein change: p.Pro157=; no amino-acid change (proline 157 retained).
Molecular consequence: synonymous variant.
Genome position (GRCh38, 1-based): chr19:39,502,876, G>A. VCF-style: chr19-39502876-G-A. GRCh37 (hg19) VCF-style: chr19-39993516-G-A.
Other names: c.471G>A, p.Pro157= (NM_016941.4); c.471G>A (NM_016941.3).
Identifiers: ClinVar variation 1146817 (VCV001146817.10), dbSNP rs935221144, ClinGen allele CA507661707.